The following is an entry in ClinVar:

NM_001918.5(DBT):c.*5347C>T

Gene: DBT (dihydrolipoamide branched chain transacylase E2; minus strand). Cytogenetic location: 1p21.2.
Variant type: single nucleotide variant.
Coding change: c.*5347C>T on transcript NM_001918.5 (MANE Select); 5347 bases downstream of the stop codon, C replaced by T.
Molecular consequence: 3 prime UTR variant.
Genome position (GRCh38, 1-based): chr1:100,190,908, G>A on the plus strand (C>T on the coding strand, the complement: DBT is on the minus strand). VCF-style: chr1-100190908-G-A. GRCh37 (hg19) VCF-style: chr1-100656464-G-A.
Identifiers: ClinVar variation 876323 (VCV000876323.4), dbSNP rs116806523, ClinGen allele CA27597061.
Genomic context (GRCh38, chr1:100,190,908, plus strand): 5'-TAGGTGCTTAAAATTAGAAGAAAAGACCCGAACAGGTACTGTAAAGAGTGCCTTGGGCAT[G>A]CGCTGTAGAATTTGGAAGGCATTTGTTTCAGACTAATCTGGTAATCCAGATATTTCACAG-3'

ClinVar aggregate classification (germline): Benign (1 of 4 stars; one submission).

Conditions:
Maple syrup urine disease (MSUD). Identifiers: Orphanet 511, MedGen C0024776, MeSH D008375, MONDO:0009563. Disease mechanism: loss of function.

Allele frequency attached by ClinVar (database versions not stated): gnomAD 0.00322 and 0.00337; TOPMed 0.00344; 1000 Genomes Project 0.00459; 1000 Genomes Project 30x 0.00515.
gnomAD v4.1: 483 of 152,296 alleles (0.32%); highest among the groups gnomAD compares: African/African-American, 1.1%; 3 homozygotes.

Submission:

Illumina Laboratory Services, Illumina
Classification: Benign for Maple syrup urine disease type 1A. Last evaluated: 2018-01-12. Review status: criteria provided, single submitter. Criteria: ICSL Variant Classification Criteria 13 December 2019. Collection method: clinical testing. Allele origin: germline.
Comment: This variant was observed in the ICSL laboratory as part of a predisposition screen in an ostensibly healthy population. It had not been previously curated by ICSL or reported in the Human Gene Mutation Database (HGMD: prior to June 1st, 2018), and was therefore a candidate for classification through an automated scoring system. Utilizing variant allele frequency, disease prevalence and penetrance estimates, and inheritance mode, an automated score was calculated to assess if this variant is too frequent to cause the disease. Based on the score and internal cut-off values, a variant classified as benign is not then subjected to further curation. The score for this variant resulted in a classification of benign for this disease.